The following is an entry in ClinVar:

ClinVar aggregate classification (germline): Uncertain significance (1 of 4 stars; one submission).

Conditions:
Leukocyte adhesion deficiency type II. Also called: CDG IIc; Congenital disorder of glycosylation type 2C; CDG 2C; Leukocyte adhesion deficiency type 2; Rambam Hasharon syndrome; CONGENITAL DISORDER OF GLYCOSYLATION, TYPE IIc. Identifiers: Orphanet 2968, Orphanet 99843, MedGen C0398739, MONDO:0009953, OMIM 266265.

gnomAD v4.1: 3 of 1,613,770 alleles (0.00019%); highest among the groups gnomAD compares: Non-Finnish European, 0.00025%; no homozygotes.

Submission:

Labcorp Genetics (formerly Invitae), Labcorp
Classification: Uncertain significance for Leukocyte adhesion deficiency type II. Last evaluated: 2021-10-20. Review status: criteria provided, single submitter. Criteria: Invitae Variant Classification Sherloc (09022015). Collection method: clinical testing. Allele origin: germline.
Comment: This sequence change replaces valine with leucine at codon 76 of the SLC35C1 protein (p.Val76Leu). The valine residue is moderately conserved and there is a small physicochemical difference between valine and leucine. This variant is not present in population databases (ExAC no frequency). This variant has not been reported in the literature in individuals affected with SLC35C1-related conditions. Algorithms developed to predict the effect of missense changes on protein structure and function are either unavailable or do not agree on the potential impact of this missense change (SIFT: "Tolerated"; PolyPhen-2: "Possibly Damaging"; Align-GVGD: "Class C0"). In summary, the available evidence is currently insufficient to determine the role of this variant in disease. Therefore, it has been classified as a Variant of Uncertain Significance.

NM_018389.5(SLC35C1):c.226G>C (p.Val76Leu)

Gene: SLC35C1 (solute carrier family 35 member C1; plus strand). Cytogenetic location: 11p11.2.
Variant type: single nucleotide variant.
Coding change: c.226G>C on transcript NM_018389.5 (MANE Select); coding-DNA position 226, G replaced by C.
Protein change: p.Val76Leu; replaces valine 76 with leucine.
Molecular consequence: missense variant.
Genome position (GRCh38, 1-based): chr11:45,806,027, G>C. VCF-style: chr11-45806027-G-C. GRCh37 (hg19) VCF-style: chr11-45827578-G-C.
Other names: c.187G>C, p.Val63Leu (NM_001145265.2, NM_001145266.2); short protein forms V63L, V76L.
Identifiers: ClinVar variation 1432919 (VCV001432919.4), dbSNP rs200202916, ClinGen allele CA380202535.